The following is an entry in ClinVar:

NM_001127644.2(GABRA1):c.94C>A (p.Gln32Lys)

Gene: GABRA1 (gamma-aminobutyric acid type A receptor subunit alpha1; plus strand). Cytogenetic location: 5q34.
Variant type: single nucleotide variant.
Coding change: c.94C>A on transcript NM_001127644.2 (MANE Select); coding-DNA position 94, C replaced by A.
Protein change: p.Gln32Lys; replaces glutamine 32 with lysine.
Molecular consequence: missense variant.
Genome position (GRCh38, 1-based): chr5:161,854,177, C>A. VCF-style: chr5-161854177-C-A. GRCh37 (hg19) VCF-style: chr5-161281183-C-A.
Other names: c.94C>A, p.Gln32Lys (NM_000806.5, NM_001127643.2, NM_001127645.2 and 1 more transcripts); short protein forms Q32K.
Identifiers: ClinVar variation 536749 (VCV000536749.13), dbSNP rs769743354, ClinGen allele CA3544342.
Genomic context (GRCh38, chr5:161,854,177, plus strand): 5'-TGTATAATTTAGCTATTGCTTCTCTTTATGTTTTTTTTCAGCTATGGACAGCCGTCATTA[C>A]AAGATGAACTTAAAGACAATACCACTGTCTTCACCAGGATTTTGGACAGACTCCTAGATG-3'
Protein context (NP_001121116.1, residues 22-42): TGRSYGQPSL[Gln32Lys]DELKDNTTVF

ClinVar aggregate classification (germline): Uncertain significance. Review status: criteria provided, multiple submitters, no conflicts (2 of 4 stars). 2 submissions from 2 submitters: Uncertain significance (2). Last evaluated 2023-10-29.

Conditions:
Inborn genetic diseases. Identifiers: MedGen C0950123, MeSH D030342.
Idiopathic generalized epilepsy. Also called: EIG; Generalised epilepsy. Identifiers: MedGen C0270850, MONDO:0005579, OMIM 600669.
Epilepsy, idiopathic generalized, susceptibility to, 13. Also called: EPILEPSY, JUVENILE MYOCLONIC, SUSCEPTIBILITY TO, 5. Identifiers: Orphanet 307, Orphanet 64280, MedGen C4013473, MONDO:0012627, OMIM 611136.
Epilepsy, childhood absence 4 (ECA4). Also called: EPILEPSY, CHILDHOOD ABSENCE, SUSCEPTIBILITY TO, 4. Identifiers: Orphanet 307, MedGen C1970160.

Allele frequency attached by ClinVar (database versions not stated): ExAC 0.00001; gnomAD exomes 0.00001; TOPMed 0.00003.
gnomAD v4.1: 11 of 1,600,746 alleles (0.00069%); highest among the groups gnomAD compares: East Asian, 0.0022%; no homozygotes.

Submissions (2):

Labcorp Genetics (formerly Invitae), Labcorp
Classification: Uncertain significance for Epilepsy, childhood absence 4; Epilepsy, idiopathic generalized, susceptibility to, 13; Idiopathic generalized epilepsy. Last evaluated: 2023-10-29. Review status: criteria provided, single submitter. Criteria: Invitae Variant Classification Sherloc (09022015). Collection method: clinical testing. Allele origin: germline.
Comment: This sequence change replaces glutamine, which is neutral and polar, with lysine, which is basic and polar, at codon 32 of the GABRA1 protein (p.Gln32Lys). This variant is present in population databases (rs769743354, gnomAD 0.002%). This missense change has been observed in individual(s) with clinical features of GABRA1-related conditions (PMID: 35937053). ClinVar contains an entry for this variant (Variation ID: 536749). Advanced modeling of protein sequence and biophysical properties (such as structural, functional, and spatial information, amino acid conservation, physicochemical variation, residue mobility, and thermodynamic stability) performed at Invitae indicates that this missense variant is not expected to disrupt GABRA1 protein function with a negative predictive value of 95%. In summary, the available evidence is currently insufficient to determine the role of this variant in disease. Therefore, it has been classified as a Variant of Uncertain Significance.

Ambry Genetics
Classification: Uncertain significance for Inborn genetic diseases. Last evaluated: 2017-06-07. Review status: criteria provided, single submitter. Criteria: Ambry Variant Classification Scheme 2023. Collection method: clinical testing. Allele origin: germline.
Comment: The p.Q32K variant (also known as c.94C>A), located in coding exon 2 of the GABRA1 gene, results from a C to A substitution at nucleotide position 94. The glutamine at codon 32 is replaced by lysine, an amino acid with similar properties. This amino acid position is highly conserved in available vertebrate species. In addition, the in silico prediction for this alteration is inconclusive. Since supporting evidence is limited at this time, the clinical significance of this alteration remains unclear.

Literature cited by the submitters: PubMed 35937053 (cited by Labcorp Genetics (formerly Invitae), Labcorp).